The following is an entry in ClinVar:

ClinVar aggregate classification (germline): Uncertain significance. Review status: criteria provided, multiple submitters, no conflicts (2 of 4 stars). 2 submissions from 2 submitters: Uncertain significance (2). Last evaluated 2022-11-02.

Allele frequency attached by ClinVar (database versions not stated): gnomAD exomes below 0.00001; ExAC 0.00001; gnomAD 0.00002; TOPMed 0.00002.
gnomAD v4.1: 5 of 1,614,078 alleles (0.00031%); highest among the groups gnomAD compares: African/African-American, 0.0067%; no homozygotes.

Submissions (2):

GeneDx
Classification: Uncertain significance. Last evaluated: 2022-11-02. Review status: criteria provided, single submitter. Criteria: GeneDx Variant Classification Process June 2021. Collection method: clinical testing. Allele origin: germline. Affected: yes.
Comment: Not observed at significant frequency in large population cohorts (gnomAD); In silico analysis supports that this missense variant has a deleterious effect on protein structure/function; Has not been previously published as pathogenic or benign to our knowledge

Labcorp Genetics (formerly Invitae), Labcorp
Classification: Uncertain significance. Last evaluated: 2021-10-14. Review status: criteria provided, single submitter. Criteria: Invitae Variant Classification Sherloc (09022015). Collection method: clinical testing. Allele origin: germline.
Comment: This sequence change replaces serine with proline at codon 283 of the LAMC2 protein (p.Ser283Pro). The serine residue is highly conserved and there is a moderate physicochemical difference between serine and proline. This variant is present in population databases (rs763119021, ExAC 0.01%). This variant has not been reported in the literature in individuals with LAMC2-related conditions. Algorithms developed to predict the effect of missense changes on protein structure and function are either unavailable or do not agree on the potential impact of this missense change (SIFT: "Tolerated"; PolyPhen-2: "Probably Damaging"; Align-GVGD: "Class C0"). In summary, the available evidence is currently insufficient to determine the role of this variant in disease. Therefore, it has been classified as a Variant of Uncertain Significance.

NM_005562.3(LAMC2):c.847T>C (p.Ser283Pro)

Gene: LAMC2 (laminin subunit gamma 2; plus strand). Cytogenetic location: 1q25.3.
Variant type: single nucleotide variant.
Coding change: c.847T>C on transcript NM_005562.3 (MANE Select); coding-DNA position 847, T replaced by C.
Protein change: p.Ser283Pro; replaces serine 283 with proline.
Molecular consequence: missense variant.
Genome position (GRCh38, 1-based): chr1:183,223,218, T>C. VCF-style: chr1-183223218-T-C. GRCh37 (hg19) VCF-style: chr1-183192353-T-C.
Other names: c.847T>C, p.Ser283Pro (NM_018891.3); c.847T>C (NM_005562.2); short protein forms S283P.
Identifiers: ClinVar variation 1434895 (VCV001434895.4), dbSNP rs763119021, ClinGen allele CA1282454.
Genomic context (GRCh38, chr1:183,223,218, plus strand): 5'-GTGAGCTATGGTCAAAGCCTGTCCTTTGACTACCGTGTGGACAGAGGAGGCAGACACCCA[T>C]CTGCCCATGATGTGATTCTGGAAGGTGCTGGTCTACGGATCACAGCTCCCTTGATGCCAC-3'
Protein context (NP_005553.2, residues 273-293): YRVDRGGRHP[Ser283Pro]AHDVILEGAG